The following is an entry in ClinVar:

ClinVar aggregate classification (germline): Likely benign. Review status: criteria provided, single submitter (1 of 4 stars). 2 submissions from 2 submitters: Likely benign (1). 1 of the submissions does not count toward it. Last evaluated 2023-10-18.

Conditions:
Nephronophthisis. Also called: Juvenile Nephronophthisis. Identifiers: Orphanet 655, MedGen C0687120, MONDO:0019005, HP:0000090.
INVS-related disorder. Also called: INVS-related condition.

Allele frequency attached by ClinVar (database versions not stated): gnomAD exomes below 0.00001; gnomAD 0.00001; TOPMed 0.00001.
gnomAD v4.1: 2 of 1,614,172 alleles (0.00012%); highest among the groups gnomAD compares: East Asian, 0.0022%; no homozygotes.

Submissions (2):

Labcorp Genetics (formerly Invitae), Labcorp
Classification: Likely benign for Nephronophthisis. Last evaluated: 2023-10-18. Review status: criteria provided, single submitter. Criteria: Invitae Variant Classification Sherloc (09022015). Collection method: clinical testing. Allele origin: germline.

PreventionGenetics, part of Exact Sciences
Classification: Likely benign for INVS-related condition. Last evaluated: 2023-12-14. Review status: no assertion criteria provided. Collection method: clinical testing. Allele origin: germline. Not counted in ClinVar's aggregate classification.
Comment: This variant is classified as likely benign based on ACMG/AMP sequence variant interpretation guidelines (Richards et al. 2015 PMID: 25741868, with internal and published modifications).

NM_014425.5(INVS):c.2523A>G (p.Thr841=)

Gene: INVS (inversin; plus strand). Cytogenetic location: 9q31.1.
Variant type: single nucleotide variant.
Coding change: c.2523A>G on transcript NM_014425.5 (MANE Select); coding-DNA position 2523, A replaced by G.
Protein change: p.Thr841=; no amino-acid change (threonine 841 retained).
Molecular consequence: synonymous variant. On other transcripts: non-coding transcript variant (1).
Genome position (GRCh38, 1-based): chr9:100,292,780, A>G. VCF-style: chr9-100292780-A-G. GRCh37 (hg19) VCF-style: chr9-103055062-A-G.
Other names: c.2523A>G (NM_014425.4); c.2235A>G, p.Thr745= (NM_001318381.2); c.1545A>G, p.Thr515= (NM_001318382.2).
Identifiers: ClinVar variation 2719359 (VCV002719359.5), dbSNP rs985795036, ClinGen allele CA196895919.